The following is an entry in ClinVar:

ClinVar aggregate classification (germline): Uncertain significance (1 of 4 stars; one submission).

Conditions:
RPGRIP1L-related disorder. Also called: RPGRIP1L-related disorders; RPGRIP1L-related condition. Identifiers: MedGen CN239416.

Submission:

PreventionGenetics, part of Exact Sciences
Classification: Uncertain significance for RPGRIP1L-related condition. Last evaluated: 2026-09-03. Review status: criteria provided, single submitter. Criteria: ACMG Guidelines, 2015. Collection method: clinical testing. Allele origin: germline.
Comment: The RPGRIP1L c.3109A>G variant is predicted to result in the amino acid substitution p.Met1037Val. To our knowledge, this variant has not been reported in the literature or in a large population database (gnomAD), indicating this variant is rare. At this time, the clinical significance of this variant is uncertain due to the absence of conclusive functional and genetic evidence.

NM_015272.5(RPGRIP1L):c.3109A>G (p.Met1037Val)

Gene: RPGRIP1L (RPGRIP1 like; minus strand). Cytogenetic location: 16q12.2.
Variant type: single nucleotide variant.
Coding change: c.3109A>G on transcript NM_015272.5 (MANE Select); coding-DNA position 3109, A replaced by G.
Protein change: p.Met1037Val; replaces methionine 1037 with valine.
Molecular consequence: missense variant.
Genome position (GRCh38, 1-based): chr16:53,637,806, T>C on the plus strand (A>G on the coding strand, the complement: RPGRIP1L is on the minus strand). VCF-style: chr16-53637806-T-C. GRCh37 (hg19) VCF-style: chr16-53671718-T-C.
Other names: c.3007A>G, p.Met1003Val (NM_001127897.4, NM_001330538.2); c.3109A>G, p.Met1037Val (NM_001308334.3); short protein forms M1003V, M1037V.
Identifiers: ClinVar variation 4996583 (VCV004996583.1).
Genomic context (GRCh38, chr16:53,637,806, plus strand): 5'-AGCTTTGTTCTGCAAGCTGACCTTCAGATAGTAAAGACACATCATCTTTTCCTTGCTGCA[T>C]TTTCTCAGTATTCTCTTTTACCTCATCTACACTGCCTTCTTGTGAAACCTGAAGAAATCA-3'
Protein context (NP_056087.2, residues 1027-1047): VDEVKENTEK[Met1037Val]QQGKDDVSLL